The following is an entry in ClinVar:

NM_001111.5(ADAR):c.30C>T (p.Ser10=)

Gene: ADAR (adenosine deaminase RNA specific; minus strand). Cytogenetic location: 1q21.3.
Variant type: single nucleotide variant.
Coding change: c.30C>T on transcript NM_001111.5 (MANE Select); coding-DNA position 30, C replaced by T.
Protein change: p.Ser10=; no amino-acid change (serine 10 retained).
Molecular consequence: synonymous variant. On other transcripts: 5 prime UTR variant (6).
Genome position (GRCh38, 1-based): chr1:154,602,612, G>A on the plus strand (C>T on the coding strand, the complement: ADAR is on the minus strand). VCF-style: chr1-154602612-G-A. GRCh37 (hg19) VCF-style: chr1-154575088-G-A.
Other names: c.-856C>T (NM_001025107.3, NM_001193495.2, NM_001365048.1); c.57C>T, p.Ser19= (NM_001365045.1); c.-720C>T (NM_001365046.1, NM_001365047.1, NM_001365049.1); c.30C>T, p.Ser10= (NM_015840.4, NM_015841.4).
Identifiers: ClinVar variation 1131547 (VCV001131547.32), dbSNP rs769752403, ClinGen allele CA1131776.

ClinVar aggregate classification (germline): Likely benign. Review status: criteria provided, multiple submitters, no conflicts (2 of 4 stars). 3 submissions from 3 submitters: Likely benign (3). Last evaluated 2025-02-17.

Conditions:
Symmetrical dyschromatosis of extremities (DSH). Also called: DYSCHROMATOSIS SYMMETRICA HEREDITARIA 1; Dyschromatosis symmetrica hereditaria; RETICULATE ACROPIGMENTATION OF DOHI; SYMMETRIC DYSCHROMATOSIS OF THE EXTREMITIES. Identifiers: Orphanet 41, MedGen C0406775, MONDO:0007483, OMIM 127400.
Aicardi-Goutieres syndrome 6 (AGS6). Identifiers: Orphanet 51, MedGen C3539013, MONDO:0014007, OMIM 615010.

Allele frequency attached by ClinVar (database versions not stated): gnomAD 0.00001 and 0.00005; TOPMed 0.00001; ExAC 0.00003; gnomAD exomes 0.00007.
gnomAD v4.1: 80 of 1,614,020 alleles (0.005%); highest among the groups gnomAD compares: East Asian, 0.069%; 1 homozygote.

Submissions (3):

Labcorp Genetics (formerly Invitae), Labcorp
Classification: Likely benign for Aicardi-Goutieres syndrome 6; Symmetrical dyschromatosis of extremities. Last evaluated: 2025-02-17. Review status: criteria provided, single submitter. Criteria: Invitae Variant Classification Sherloc (09022015). Collection method: clinical testing. Allele origin: germline.

CeGaT Center for Human Genetics Tuebingen
Classification: Likely benign. Last evaluated: 2024-02-01. Review status: criteria provided, single submitter. Criteria: CeGaT Center For Human Genetics Tuebingen Variant Classification Criteria Version 2. Collection method: clinical testing. Allele origin: germline. Affected: yes. Observed: 1 variant allele.
Comment: ADAR: BP4, BP7

Blueprint Genetics
Classification: Likely benign. Last evaluated: 2023-12-14. Review status: criteria provided, single submitter. Criteria: ACMG Guidelines, 2015. Collection method: clinical testing. Allele origin: germline.